The following is an entry in ClinVar:

NM_000038.6(APC):c.4945A>G (p.Ile1649Val)

Gene: APC (APC regulator of Wnt signaling pathway; plus strand). Cytogenetic location: 5q22.2.
Variant type: single nucleotide variant.
Coding change: c.4945A>G on transcript NM_000038.6 (MANE Select); coding-DNA position 4945, A replaced by G.
Protein change: p.Ile1649Val; replaces isoleucine 1649 with valine.
Molecular consequence: missense variant.
Genome position (GRCh38, 1-based): chr5:112,840,539, A>G. VCF-style: chr5-112840539-A-G. GRCh37 (hg19) VCF-style: chr5-112176236-A-G.
Other names: c.4945A>G, p.Ile1649Val (NM_001127510.3, NM_001354895.2); c.4891A>G, p.Ile1631Val (NM_001127511.3); c.4999A>G, p.Ile1667Val (NM_001354896.2); c.4975A>G, p.Ile1659Val (NM_001354897.2); c.4870A>G, p.Ile1624Val (NM_001354898.2); c.4861A>G, p.Ile1621Val (NM_001354899.2); c.4822A>G, p.Ile1608Val (NM_001354900.2); c.4768A>G, p.Ile1590Val (NM_001354901.2); and 5 more; short protein forms I1631V, I1649V, I1621V, I1366V, I1624V, I1659V, I1523V, I1590V.
Identifiers: ClinVar variation 537531 (VCV000537531.17), dbSNP rs772273122, ClinGen allele CA040254.

ClinVar aggregate classification (germline): Uncertain significance. Review status: criteria provided, multiple submitters, no conflicts (2 of 4 stars). 8 submissions from 8 submitters: Uncertain significance (8). Last evaluated 2026-01-06.

Conditions:
Gastric cancer. Also called: Stomach cancer; Malignant tumor of stomach. Identifiers: MedGen C0024623, MeSH D013274, MONDO:0001056, OMIM 613659, HP:0012126.
Desmoid disease, hereditary (DESMD). Also called: FIBROMATOSIS, FAMILIAL INFILTRATIVE. Identifiers: Orphanet 873, MedGen C1851124, OMIM 135290. Disease mechanism: loss of function.
Familial adenomatous polyposis 1 (FAP1). Also called: FAMILIAL ADENOMATOUS POLYPOSIS 1, ATTENUATED; POLYPOSIS, ADENOMATOUS INTESTINAL. Identifiers: MedGen C2713442, MONDO:0021056, OMIM 175100. Disease mechanism: loss of function.
Classic or attenuated familial adenomatous polyposis. Identifiers: MedGen CN372698, MONDO:0021057.
Hereditary cancer-predisposing syndrome. Also called: Hereditary neoplastic syndrome; Neoplastic Syndromes, Hereditary; Hereditary Cancer Syndrome; Tumor predisposition. Identifiers: Orphanet 140162, MedGen C0027672, MeSH D009386, MONDO:0015356.

Allele frequency attached by ClinVar (database versions not stated): gnomAD exomes below 0.00001; TOPMed below 0.00001; ExAC 0.00001; gnomAD 0.00001.
gnomAD v4.1: 6 of 1,614,036 alleles (0.00037%); highest among the groups gnomAD compares: East Asian, 0.0022%; no homozygotes.

Submissions (8):

Labcorp Genetics (formerly Invitae), Labcorp
Classification: Uncertain significance for Familial adenomatous polyposis 1. Last evaluated: 2026-01-06. Review status: criteria provided, single submitter. Criteria: Invitae Variant Classification Sherloc (09022015). Collection method: clinical testing. Allele origin: germline.
Comment: This sequence change replaces isoleucine, which is neutral and non-polar, with valine, which is neutral and non-polar, at codon 1649 of the APC protein (p.Ile1649Val). This variant is present in population databases (rs772273122, gnomAD 0.0009%). This missense change has been observed in individual(s) with colorectal cancer (PMID: 32658311, 34271781). ClinVar contains an entry for this variant (Variation ID: 537531). Invitae Evidence Modeling of protein sequence and biophysical properties (such as structural, functional, and spatial information, amino acid conservation, physicochemical variation, residue mobility, and thermodynamic stability) indicates that this missense variant is not expected to disrupt APC protein function with a negative predictive value of 95%. In summary, the available evidence is currently insufficient to determine the role of this variant in disease. Therefore, it has been classified as a Variant of Uncertain Significance.

Dasa
Classification: Uncertain significance. Last evaluated: 2025-04-17. Review status: criteria provided, single submitter. Criteria: DASA Assertion Criteria. Collection method: clinical testing. Allele origin: germline.
Comment: NM_000038.6(APC):c.4945A>G (p.Ile1649Val) is a missense variant that results in the substitution of isoleucine with valine. This variant is rare in population databases. The currently available literature and clinical evidence are not sufficient to establish a definitive association between this variant and the reported condition. Therefore, this variant is classified as a variant of uncertain significance.

Ambry Genetics
Classification: Uncertain significance for Hereditary cancer-predisposing syndrome. Last evaluated: 2025-01-03. Review status: criteria provided, single submitter. Criteria: Ambry Variant Classification Scheme 2023. Collection method: clinical testing. Allele origin: germline.
Comment: The p.I1649V variant (also known as c.4945A>G), located in coding exon 15 of the APC gene, results from an A to G substitution at nucleotide position 4945. The isoleucine at codon 1649 is replaced by valine, an amino acid with highly similar properties. This alteration was seen in 0/732 breast cancer patients, 1/189 colorectal cancer patients and 0/490 cancer-free elderly controls in a Turkish population (Akcay IM et al. Int J Cancer. 2021 01;148:285-295). This variant was reported in individual(s) with features consistent with APC-related familial adenomatous polyposis in at least one individual (Ambry internal data). This amino acid position is well conserved in available vertebrate species. In addition, in silico predictors for this gene do not accurately predict pathogenicity. Since supporting evidence is limited at this time, the clinical significance of this alteration remains unclear.

All of Us Research Program, National Institutes of Health
Classification: Uncertain significance for Classic or attenuated familial adenomatous polyposis. Last evaluated: 2024-05-14. Review status: criteria provided, single submitter. Criteria: ACMG Guidelines, 2015. Collection method: clinical testing. Allele origin: germline. Inheritance: Autosomal dominant inheritance. Observed: 2 variant alleles, 2 heterozygotes.
Comment: This missense variant replaces isoleucine with valine at codon 1649 of the APC protein. Computational prediction suggests that this variant may not impact protein structure and function (internally defined REVEL score threshold <= 0.5, PMID: 27666373). Splice site prediction tools suggest that this variant may not impact RNA splicing. To our knowledge, functional studies have not been performed for this variant. This variant has not been reported in individuals affected with hereditary cancer, but has been reported in one control subject (PMID 14999774) in the literature. This variant has been identified in 1/250994 chromosomes in the general population by the Genome Aggregation Database (gnomAD). The available evidence is insufficient to determine the role of this variant in disease conclusively. Therefore, this variant is classified as a Variant of Uncertain Significance.

This study involves interpretation of variants in research participants for the purpose of population health screening. Participant phenotype was not available at the time of variant classification. Additional details can be found in publication PMID: 35346344, PMCID: PMC8962531

Color Diagnostics, LLC DBA Color Health
Classification: Uncertain significance for Hereditary cancer-predisposing syndrome. Last evaluated: 2024-04-17. Review status: criteria provided, single submitter. Criteria: ACMG Guidelines, 2015. Collection method: clinical testing. Allele origin: germline.
Comment: This missense variant replaces isoleucine with valine at codon 1649 of the APC protein. Computational prediction suggests that this variant may not impact protein structure and function (internally defined REVEL score threshold <= 0.5, PMID: 27666373). To our knowledge, functional studies have not been reported for this variant. This variant has been reported in individuals affected with colorectal cancer (PMID: 32658311, 34271781) and in one control individual (PMID: 14999774). This variant has been identified in 1/250994 chromosomes in the general population by the Genome Aggregation Database (gnomAD). The available evidence is insufficient to determine the role of this variant in disease conclusively. Therefore, this variant is classified as a Variant of Uncertain Significance.

Baylor Genetics
Classification: Uncertain significance for Familial adenomatous polyposis 1. Last evaluated: 2023-05-25. Review status: criteria provided, single submitter. Criteria: ACMG Guidelines, 2015. Collection method: clinical testing. Allele origin: unknown.

Department of Pathology and Laboratory Medicine, Sinai Health System
Classification: Uncertain significance for Familial adenomatous polyposis 1; Desmoid disease, hereditary; Gastric cancer. Last evaluated: 2022-10-07. Review status: criteria provided, single submitter. Criteria: ACMG Guidelines, 2015. Collection method: research. Allele origin: germline.

Sema4
Classification: Uncertain significance for Hereditary cancer-predisposing syndrome. Last evaluated: 2021-11-01. Review status: criteria provided, single submitter. Criteria: Sema4 Curation Guidelines. Collection method: curation. Allele origin: germline.
Comment: The APC c.4945A>G (p.I1649V) variant has been reported in heterozygosity in at least one individual with colorectal cancer (PMID: 34271781). It was observed in 1/113326 chromosomes of the Non-Finnish European subpopulation in the large and broad cohorts of the Genome Aggregation Database (PMID: 32461654). The variant has been reported in ClinVar (Variation ID 537531). Functional studies have not been performed, and in silico predictions of the variant's effect on protein function are inconclusive. The evidence is insufficient to meet ACMG/AMP criteria for classifying the variant as benign or pathogenic. Thus, the clinical significance of this variant is currently uncertain.

Literature cited by the submitters: PubMed 32658311 (cited by 3 submitters); PubMed 34271781 (cited by 3 submitters); PubMed 14999774 (cited by Ambry Genetics and Color Diagnostics, LLC DBA Color Health).